The following is an entry in ClinVar:

ClinVar aggregate classification (germline): Uncertain significance (1 of 4 stars; one submission).

Submission:

GeneDx
Classification: Uncertain significance. Last evaluated: 2026-04-20. Review status: criteria provided, single submitter. Criteria: GeneDx Variant Classification Process June 2021. Collection method: clinical testing. Allele origin: germline.
Comment: Not observed at significant frequency in large population cohorts (gnomAD); In-frame deletion of 2 amino acid(s) in a non-repeat region; In silico analysis suggests that this variant does not alter protein structure/function; Has not been previously published as pathogenic or benign to our knowledge

NM_001112741.2(KCNC1):c.1290GCCCGT[1] (p.431PV[1])

Gene: KCNC1 (potassium voltage-gated channel subfamily C member 1; plus strand). Cytogenetic location: 11p15.1.
Variant type: Microsatellite.
Coding change: c.1290GCCCGT[1] on transcript NM_001112741.2 (MANE Select); one copy of the 6-base unit GCCCGT starting at c.1290; the reference has two copies in a row; one copy, 6 bases deleted.
Protein change: p.431PV[1].
Molecular consequence: inframe deletion.
Genome position (GRCh38, 1-based): chr11:17,772,390-17,772,395, GCCCGT deleted; deleting any 6 consecutive bases within chr11:17,772,383-17,772,395 gives the same sequence; the position shown is the placement nearest the transcript's 3' end. VCF-style (leftmost placement, unchanged base first): chr11-17772382-ATGCCCG-A. GRCh37 (hg19) VCF-style: chr11-17793929-ATGCCCG-A.
Other names: c.1290GCCCGT[1], p.431PV[1] (NM_004976.4).
Identifiers: ClinVar variation 5037314 (VCV005037314.1).